The following is an entry in ClinVar:

ClinVar aggregate classification (germline): Uncertain significance (1 of 4 stars; one submission).

Allele frequency attached by ClinVar (database versions not stated): ExAC 0.00010.
gnomAD v4.1: 9 of 1,561,160 alleles (0.00058%); highest among the groups gnomAD compares: South Asian, 0.011%; no homozygotes.

Submission:

Labcorp Genetics (formerly Invitae), Labcorp
Classification: Uncertain significance. Last evaluated: 2022-03-19. Review status: criteria provided, single submitter. Criteria: Invitae Variant Classification Sherloc (09022015). Collection method: clinical testing. Allele origin: germline.
Comment: Algorithms developed to predict the effect of missense changes on protein structure and function (SIFT, PolyPhen-2, Align-GVGD) all suggest that this variant is likely to be tolerated. Algorithms developed to predict the effect of sequence changes on RNA splicing suggest that this variant may disrupt the consensus splice site. In summary, the available evidence is currently insufficient to determine the role of this variant in disease. Therefore, it has been classified as a Variant of Uncertain Significance. This sequence change replaces glutamine, which is neutral and polar, with histidine, which is basic and polar, at codon 3220 of the LAMA5 protein (p.Gln3220His). This variant is present in population databases (rs749278210, gnomAD 0.02%). This variant has not been reported in the literature in individuals affected with LAMA5-related conditions.

NM_005560.6(LAMA5):c.9660G>C (p.Gln3220His)

Gene: LAMA5 (laminin subunit alpha 5; minus strand). Cytogenetic location: 20q13.33.
Variant type: single nucleotide variant.
Coding change: c.9660G>C on transcript NM_005560.6 (MANE Select); coding-DNA position 9660, G replaced by C.
Protein change: p.Gln3220His; replaces glutamine 3220 with histidine.
Molecular consequence: missense variant.
Genome position (GRCh38, 1-based): chr20:62,311,760, C>G on the plus strand (G>C on the coding strand, the complement: LAMA5 is on the minus strand). VCF-style: chr20-62311760-C-G. GRCh37 (hg19) VCF-style: chr20-60886816-C-G.
Other names: short protein forms Q3220H.
Identifiers: ClinVar variation 2114217 (VCV002114217.4), dbSNP rs749278210, ClinGen allele CA9940102.
Genomic context (GRCh38, chr20:62,311,760, plus strand): 5'-CCCCTCAGGCTGCGGCTGGAGCTCGGGGGGTGGTCCCCGGTGGGGCTTCATCTGCTGGAG[C>G]TGGTCATCGACATACAGCCAGACTCTGGGGGGCGGGAGGCCGGAGGCTCGGTTTTTCCCC-3'
Protein context (NP_005551.3, residues 3210-3230): ATGVWLYVDD[Gln3220His]LQQMKPHRGP